The following is an entry in ClinVar:

ClinVar aggregate classification (germline): Likely benign. Review status: criteria provided, multiple submitters, no conflicts (2 of 4 stars). 4 submissions from 4 submitters: Likely benign (4). Last evaluated 2024-08-07.

Conditions:
Catecholaminergic polymorphic ventricular tachycardia 1. Also called: RYR2-Related Catecholaminergic Polymorphic Ventricular Tachycardia; VENTRICULAR TACHYCARDIA, STRESS-INDUCED POLYMORPHIC 1; VENTRICULAR TACHYCARDIA, CATECHOLAMINERGIC POLYMORPHIC, 1, WITH OR WITHOUT ATRIAL DYSFUNCTION AND/OR DILATED CARDIOMYOPATHY. Identifiers: Orphanet 3286, MedGen C1631597, MONDO:0011484, OMIM 604772.

Allele frequency attached by ClinVar (database versions not stated): TOPMed below 0.00001; gnomAD 0.00001.
gnomAD v4.1: 10 of 1,612,824 alleles (0.00062%); highest among the groups gnomAD compares: Middle Eastern, 0.016%; no homozygotes.

Submissions (4):

Labcorp Genetics (formerly Invitae), Labcorp
Classification: Likely benign for Catecholaminergic polymorphic ventricular tachycardia 1. Last evaluated: 2024-08-07. Review status: criteria provided, single submitter. Criteria: Invitae Variant Classification Sherloc (09022015). Collection method: clinical testing. Allele origin: germline.

Blueprint Genetics
Classification: Likely benign. Last evaluated: 2021-11-18. Review status: criteria provided, single submitter. Criteria: ACMG Guidelines, 2015. Collection method: clinical testing. Allele origin: germline.

GeneDx
Classification: Likely benign. Last evaluated: 2017-03-09. Review status: criteria provided, single submitter. Criteria: GeneDx Variant Classification (06012015). Collection method: clinical testing. Allele origin: germline. Affected: yes.
Comment: This variant is considered likely benign or benign based on one or more of the following criteria: it is a conservative change, it occurs at a poorly conserved position in the protein, it is predicted to be benign by multiple in silico algorithms, and/or has population frequency not consistent with disease.

Laboratory for Molecular Medicine, Mass General Brigham Personalized Medicine
Classification: Likely benign. Last evaluated: 2015-06-16. Review status: criteria provided, single submitter. Criteria: LMM Criteria. Collection method: clinical testing. Allele origin: germline. Observed: 1 variant allele.
Comment: c.2396+12T>A in intron 21 of RYR2: This variant is not expected to have clinical significance because it is not located within the splice consensus sequence.

NM_001035.3(RYR2):c.2396+12T>A

Gene: RYR2 (ryanodine receptor 2; plus strand). Cytogenetic location: 1q43.
Variant type: single nucleotide variant.
Coding change: c.2396+12T>A on transcript NM_001035.3 (MANE Select); 12 bases into the intron after coding-DNA position 2396, T replaced by A.
Molecular consequence: intron variant.
Genome position (GRCh38, 1-based): chr1:237,500,915, T>A. VCF-style: chr1-237500915-T-A. GRCh37 (hg19) VCF-style: chr1-237664215-T-A.
Identifiers: ClinVar variation 227915 (VCV000227915.10), dbSNP rs876657576, ClinGen allele CA10576400.